The following is an entry in ClinVar:

ClinVar aggregate classification (germline): Uncertain significance (1 of 4 stars; one submission).

Conditions:
Neuropathy, hereditary sensory and autonomic, type 2A (HSAN2A). Also called: WNK1-Related HSAN2 (HSAN2A); MORVAN DISEASE; NEUROPATHY, CONGENITAL SENSORY; NEUROPATHY, HEREDITARY SENSORY RADICULAR, AUTOSOMAL RECESSIVE; NEUROPATHY, HEREDITARY SENSORY, TYPE IIA; NEUROPATHY, PROGRESSIVE SENSORY, OF CHILDREN. Identifiers: Orphanet 970, MedGen C2752089, MONDO:0024309, OMIM 201300.
Generalized epilepsy with febrile seizures plus, type 7 (GEFSP7). Also called: GEFS+, TYPE 7. Identifiers: Orphanet 36387, MedGen C2751778, MONDO:0013470, OMIM 613863.

Submission:

Labcorp Genetics (formerly Invitae), Labcorp
Classification: Uncertain significance for Neuropathy, hereditary sensory and autonomic, type 2A; Generalized epilepsy with febrile seizures plus, type 7. Last evaluated: 2024-03-13. Review status: criteria provided, single submitter. Criteria: Invitae Variant Classification Sherloc (09022015). Collection method: clinical testing. Allele origin: germline.
Comment: This sequence change replaces methionine, which is neutral and non-polar, with lysine, which is basic and polar, at codon 757 of the SCN9A protein (p.Met757Lys). This variant is not present in population databases (gnomAD no frequency). This variant has not been reported in the literature in individuals affected with SCN9A-related conditions. ClinVar contains an entry for this variant (Variation ID: 1403235). Advanced modeling of protein sequence and biophysical properties (such as structural, functional, and spatial information, amino acid conservation, physicochemical variation, residue mobility, and thermodynamic stability) performed at Invitae indicates that this missense variant is not expected to disrupt SCN9A protein function with a negative predictive value of 95%. In summary, the available evidence is currently insufficient to determine the role of this variant in disease. Therefore, it has been classified as a Variant of Uncertain Significance.

NM_001365536.1(SCN9A):c.2303T>A (p.Met768Lys)

Genes: SCN9A (sodium voltage-gated channel alpha subunit 9; minus strand), SCN1A-AS1 (SCN1A and SCN9A antisense RNA 1; plus strand). Cytogenetic location: 2q24.3.
Variant type: single nucleotide variant.
Coding change: c.2303T>A on transcript NM_001365536.1 (MANE Select); coding-DNA position 2303, T replaced by A.
Protein change: p.Met768Lys; replaces methionine 768 with lysine.
Molecular consequence: missense variant.
Genome position (GRCh38, 1-based): chr2:166,280,397, A>T on the plus strand (T>A on the coding strand, the complement: SCN9A is on the minus strand). VCF-style: chr2-166280397-A-T. GRCh37 (hg19) VCF-style: chr2-167136907-A-T.
Other names: c.2270T>A, p.Met757Lys (NM_002977.4); short protein forms M757K, M768K.
Identifiers: ClinVar variation 1403235 (VCV001403235.8), dbSNP rs2106475416, ClinGen allele CA349079507.
Genomic context (GRCh38, chr2:166,280,397, plus strand): 5'-ACACACAATAAGAGACTTACCAAATTTCCTATAGCAAGTACATTTTTGAATTCCTCAGTC[A>T]TTGGGTGGTGTTCCATAGCCATAAATAATGTGTTTAAAACTATGCAAATGGTAATTGCAA-3'
Protein context (NP_001352465.1, residues 758-778): TLFMAMEHHP[Met768Lys]TEEFKNVLAI